The following is an entry in ClinVar:

ClinVar aggregate classification (germline): Benign. Review status: criteria provided, multiple submitters, no conflicts (2 of 4 stars). 2 submissions from 2 submitters: Benign (2). Last evaluated 2018-01-13.

Conditions:
Familial dysautonomia. Also called: HSAN III; FD. Identifiers: Orphanet 1764, MedGen C0013364, MONDO:0009131, OMIM 223900. Disease mechanism: loss of function.

Allele frequency attached by ClinVar (database versions not stated): 1000 Genomes Project 0.07508; 1000 Genomes Project 30x 0.07698; TOPMed 0.10467; gnomAD 0.10776 and 0.11134; gnomAD exomes 0.28571.
gnomAD v4.1: 16,462 of 152,256 alleles (11%); highest among the groups gnomAD compares: Middle Eastern, 13%; 1,045 homozygotes.

Submissions (2):

Illumina Laboratory Services, Illumina
Classification: Benign for Familial dysautonomia. Last evaluated: 2018-01-13. Review status: criteria provided, single submitter. Criteria: ICSL Variant Classification Criteria 13 December 2019. Collection method: clinical testing. Allele origin: germline.
Comment: This variant was observed in the ICSL laboratory as part of a predisposition screen in an ostensibly healthy population. It had not been previously curated by ICSL or reported in the Human Gene Mutation Database (HGMD: prior to June 1st, 2018), and was therefore a candidate for classification through an automated scoring system. Utilizing variant allele frequency, disease prevalence and penetrance estimates, and inheritance mode, an automated score was calculated to assess if this variant is too frequent to cause the disease. Based on the score and internal cut-off values, a variant classified as benign is not then subjected to further curation. The score for this variant resulted in a classification of benign for this disease.

Breakthrough Genomics
Classification: Benign. Review status: criteria provided, single submitter. Criteria: ACMG Guidelines, 2015. Collection method: not provided. Allele origin: germline. Inheritance: Autosomal recessive inheritance. Affected: yes.

NM_003640.5(ELP1):c.*1071G>A

Gene: ELP1 (elongator acetyltransferase complex subunit 1; minus strand). Cytogenetic location: 9q31.3.
Variant type: single nucleotide variant.
Coding change: c.*1071G>A on transcript NM_003640.5 (MANE Select); 1071 bases downstream of the stop codon, G replaced by A.
Molecular consequence: 3 prime UTR variant.
Genome position (GRCh38, 1-based): chr9:108,868,044, C>T on the plus strand (G>A on the coding strand, the complement: ELP1 is on the minus strand). VCF-style: chr9-108868044-C-T. GRCh37 (hg19) VCF-style: chr9-111630324-C-T.
Other names: c.*1071G>A (NM_001318360.2, NM_001330749.2, LRG_251t1).
Identifiers: ClinVar variation 364545 (VCV000364545.6), dbSNP rs41305457, ClinGen allele CA10632202.
Genomic context (GRCh38, chr9:108,868,044, plus strand): 5'-ATCACCAGTGTTGGAAGTGGGGCCCAATGGGAGGTGTTTTGGTCACAGGGGCAGATCCTA[C>T]GTGAATCGCTTGTGCCATCCTCGTGGTAATGAGTGAGTTTTCACTCTATTAGTTCCTTTG-3'